The following is an entry in ClinVar:

ClinVar aggregate classification (germline): Benign. Review status: criteria provided, multiple submitters, no conflicts (2 of 4 stars). 3 submissions from 3 submitters: Benign (3). Last evaluated 2026-05-09.

Allele frequency attached by ClinVar (database versions not stated): 1000 Genomes Project 0.02556; 1000 Genomes Project 30x 0.02670; gnomAD 0.02172; TOPMed 0.02584; ESP Exome Variant Server 0.02530.
gnomAD v4.1: 12,913 of 1,580,148 alleles (0.82%); highest among the groups gnomAD compares: African/African-American, 7%; 282 homozygotes.

Submissions (3):

Women's Health and Genetics/Laboratory Corporation of America, LabCorp
Classification: Benign. Last evaluated: 2026-05-09. Review status: criteria provided, single submitter. Criteria: LabCorp Variant Classification Summary - May 2015. Collection method: clinical testing. Allele origin: germline.

Labcorp Genetics (formerly Invitae), Labcorp
Classification: Benign. Last evaluated: 2026-02-02. Review status: criteria provided, single submitter. Criteria: Invitae Variant Classification Sherloc (09022015). Collection method: clinical testing. Allele origin: germline.

GeneDx
Classification: Benign. Last evaluated: 2016-10-19. Review status: criteria provided, single submitter. Criteria: GeneDx Variant Classification (06012015). Collection method: clinical testing. Allele origin: germline. Affected: yes.
Comment: This variant is considered likely benign or benign based on one or more of the following criteria: it is a conservative change, it occurs at a poorly conserved position in the protein, it is predicted to be benign by multiple in silico algorithms, and/or has population frequency not consistent with disease.

NM_001851.6(COL9A1):c.1030-20G>T

Gene: COL9A1 (collagen type IX alpha 1 chain; minus strand). Cytogenetic location: 6q13.
Variant type: single nucleotide variant.
Coding change: c.1030-20G>T on transcript NM_001851.6 (MANE Select); 20 bases into the intron before coding-DNA position 1030, G replaced by T.
Molecular consequence: intron variant.
Genome position (GRCh38, 1-based): chr6:70,274,102, C>A on the plus strand (G>T on the coding strand, the complement: COL9A1 is on the minus strand). VCF-style: chr6-70274102-C-A. GRCh37 (hg19) VCF-style: chr6-70983805-C-A.
Other names: c.301-20G>T (NM_001377290.1, NM_078485.4, NM_001377289.1).
Identifiers: ClinVar variation 383782 (VCV000383782.11), dbSNP rs16868897, ClinGen allele CA3882487.